The following is an entry in ClinVar:

NM_018979.4(WNK1):c.5122A>G (p.Ser1708Gly)

Gene: WNK1 (WNK lysine deficient protein kinase 1; plus strand). Cytogenetic location: 12p13.33.
Variant type: single nucleotide variant.
Coding change: c.5122A>G on transcript NM_018979.4 (MANE Select); coding-DNA position 5122, A replaced by G.
Protein change: p.Ser1708Gly; replaces serine 1708 with glycine.
Molecular consequence: missense variant.
Genome position (GRCh38, 1-based): chr12:885,926, A>G. VCF-style: chr12-885926-A-G. GRCh37 (hg19) VCF-style: chr12-995092-A-G.
Other names: c.5902A>G, p.Ser1968Gly (NM_001184985.2); c.4381A>G, p.Ser1461Gly (NM_014823.3); c.5878A>G, p.Ser1960Gly (NM_213655.5); short protein forms S1461G, S1968G, S1708G, S1960G.
Identifiers: ClinVar variation 2087159 (VCV002087159.4), dbSNP rs2497147644, ClinGen allele CA383332641.

ClinVar aggregate classification (germline): Uncertain significance (1 of 4 stars; one submission).

Conditions:
Neuropathy, hereditary sensory and autonomic, type 2A (HSAN2A). Also called: ACROOSTEOLYSIS, GIACCAI TYPE; ACROOSTEOLYSIS, NEUROGENIC; MORVAN DISEASE; NEUROPATHY, CONGENITAL SENSORY; NEUROPATHY, HEREDITARY SENSORY RADICULAR, AUTOSOMAL RECESSIVE; NEUROPATHY, HEREDITARY SENSORY, TYPE IIA. Identifiers: Orphanet 970, MedGen C2752089, MONDO:0024309, OMIM 201300.
Pseudohypoaldosteronism type 2C (PHA2C). Also called: Pseudohypoaldosteronism Type IIC. Identifiers: Orphanet 757, Orphanet 88940, MedGen C1840391, MONDO:0013778, OMIM 614492.

Submission:

Labcorp Genetics (formerly Invitae), Labcorp
Classification: Uncertain significance for Neuropathy, hereditary sensory and autonomic, type 2A; Pseudohypoaldosteronism type 2C. Last evaluated: 2022-01-17. Review status: criteria provided, single submitter. Criteria: Invitae Variant Classification Sherloc (09022015). Collection method: clinical testing. Allele origin: germline.
Comment: In summary, the available evidence is currently insufficient to determine the role of this variant in disease. Therefore, it has been classified as a Variant of Uncertain Significance. Algorithms developed to predict the effect of sequence changes on RNA splicing suggest that this variant may create or strengthen a splice site. Advanced modeling of protein sequence and biophysical properties (such as structural, functional, and spatial information, amino acid conservation, physicochemical variation, residue mobility, and thermodynamic stability) performed at Invitae indicates that this missense variant is not expected to disrupt WNK1 protein function. This variant has not been reported in the literature in individuals affected with WNK1-related conditions. This variant is not present in population databases (gnomAD no frequency). This sequence change replaces serine, which is neutral and polar, with glycine, which is neutral and non-polar, at codon 1960 of the WNK1 protein (p.Ser1960Gly).